The following is an entry in ClinVar:

ClinVar aggregate classification (germline): Uncertain significance. Review status: criteria provided, single submitter (1 of 4 stars). 2 submissions from 2 submitters: Uncertain significance (1). 1 of the submissions does not count toward it. Last evaluated 2024-08-25.

Conditions:
RECQL5-related disorder. Also called: RECQL5-related condition.

gnomAD v4.1: 25 of 1,606,618 alleles (0.0016%); highest among the groups gnomAD compares: East Asian, 0.0022%; no homozygotes.

Submissions (2):

Ambry Genetics
Classification: Uncertain significance. Last evaluated: 2024-08-25. Review status: criteria provided, single submitter. Criteria: Ambry Variant Classification Scheme 2023. Collection method: clinical testing. Allele origin: germline.

PreventionGenetics, part of Exact Sciences
Classification: Uncertain significance for RECQL5-related condition. Last evaluated: 2024-04-17. Review status: no assertion criteria provided. Collection method: clinical testing. Allele origin: germline. Not counted in ClinVar's aggregate classification.
Comment: The RECQL5 c.1819G>A variant is predicted to result in the amino acid substitution p.Asp607Asn. To our knowledge, this variant has not been reported in the literature. This variant is reported in 0.00092% of alleles in individuals of European (Non-Finnish) descent in gnomAD. At this time, the clinical significance of this variant is uncertain due to the absence of conclusive functional and genetic evidence.

NM_004259.7(RECQL5):c.1819G>A (p.Asp607Asn)

Gene: RECQL5 (RecQ like helicase 5; minus strand). Cytogenetic location: 17q25.1.
Variant type: single nucleotide variant.
Coding change: c.1819G>A on transcript NM_004259.7 (MANE Select); coding-DNA position 1819, G replaced by A.
Protein change: p.Asp607Asn; replaces aspartic acid 607 with asparagine.
Molecular consequence: missense variant.
Genome position (GRCh38, 1-based): chr17:75,629,836, C>T on the plus strand (G>A on the coding strand, the complement: RECQL5 is on the minus strand). VCF-style: chr17-75629836-C-T. GRCh37 (hg19) VCF-style: chr17-73625916-C-T.
Other names: short protein forms D607N.
Identifiers: ClinVar variation 3348064 (VCV003348064.2).